The following is an entry in ClinVar:

ClinVar aggregate classification (germline): Conflicting classifications of pathogenicity. Review status: criteria provided, conflicting classifications (1 of 4 stars). 4 submissions from 4 submitters: Uncertain significance (3); Likely benign (1). Last evaluated 2026-08-06.

Conditions:
Arrhythmogenic right ventricular dysplasia 9 (ARVD9). Also called: Arrhythmogenic Right Ventricular Dysplasia/Cardiomyopathy 9; ARRHYTHMOGENIC RIGHT VENTRICULAR DYSPLASIA, FAMILIAL, 9. Identifiers: MedGen C1836906, MONDO:0012180, OMIM 609040.
Arrhythmogenic right ventricular cardiomyopathy (ARVD). Also called: Cardiomyopathy, ARVC; Arrhythmogenic cardiomyopathy; Arrhythmogenic Right Ventricular Cardiomyopathy (ARVC); Arrhythmogenic right ventricular dysplasia. Identifiers: Orphanet 247, MedGen C0349788, MeSH D019571, MONDO:0016587. Disease mechanism: loss of function. Inheritance: Various modes of inheritance.
Cardiomyopathy (CMYO). Also called: Cardiomyopathies. Identifiers: Orphanet 167848, MedGen C0878544, MONDO:0004994, HP:0001638. Inheritance: Various modes of inheritance.
Cardiovascular phenotype. Identifiers: MedGen CN230736.

Allele frequency attached by ClinVar (database versions not stated): TOPMed 0.00002.
gnomAD v4.1: 58 of 1,613,794 alleles (0.0036%); highest among the groups gnomAD compares: Non-Finnish European, 0.0047%; no homozygotes.

Submissions (4):

Ambry Genetics
Classification: Likely benign for Cardiovascular phenotype. Last evaluated: 2026-08-06. Review status: criteria provided, single submitter. Criteria: Ambry Variant Classification Scheme 2023. Collection method: clinical testing. Allele origin: germline.

Labcorp Genetics (formerly Invitae), Labcorp
Classification: Uncertain significance for Arrhythmogenic right ventricular dysplasia 9. Last evaluated: 2025-11-23. Review status: criteria provided, single submitter. Criteria: Invitae Variant Classification Sherloc (09022015). Collection method: clinical testing. Allele origin: germline.
Comment: This sequence change replaces valine, which is neutral and non-polar, with leucine, which is neutral and non-polar, at codon 136 of the PKP2 protein (p.Val136Leu). This variant is present in population databases (rs567795321, gnomAD 0.008%). This variant has not been reported in the literature in individuals affected with PKP2-related conditions. ClinVar contains an entry for this variant (Variation ID: 641668). An algorithm developed to predict the effect of missense changes on protein structure and function (PolyPhen-2) suggests that this variant is likely to be tolerated. In summary, the available evidence is currently insufficient to determine the role of this variant in disease. Therefore, it has been classified as a Variant of Uncertain Significance.

Color Diagnostics, LLC DBA Color Health
Classification: Uncertain significance for Cardiomyopathy. Last evaluated: 2025-06-04. Review status: criteria provided, single submitter. Criteria: ACMG Guidelines, 2015. Collection method: clinical testing. Allele origin: germline.
Comment: This missense variant replaces valine with leucine at codon 136 of the PKP2 protein. Computational prediction suggests that this variant may not impact protein structure and function. To our knowledge, functional studies have not been reported for this variant. This variant has been reported in an individual affected with dilated cardiomyopathy (PMID: 31983221). This variant has been identified in 10/251060 chromosomes in the general population by the Genome Aggregation Database (gnomAD). The available evidence is insufficient to determine the role of this variant in disease conclusively. Therefore, this variant is classified as a Variant of Uncertain Significance.

All of Us Research Program, National Institutes of Health
Classification: Uncertain significance for Arrhythmogenic right ventricular cardiomyopathy. Last evaluated: 2024-09-23. Review status: criteria provided, single submitter. Criteria: ACMG Guidelines, 2015. Collection method: clinical testing. Allele origin: germline. Inheritance: Autosomal dominant inheritance. Observed: 4 variant alleles, 4 heterozygotes.
Comment: This missense variant replaces valine with leucine at codon 136 of the PKP2 protein. Computational prediction suggests that this variant may not impact protein structure and function (internally defined REVEL score threshold <= 0.5, PMID: 27666373). To our knowledge, functional studies have not been reported for this variant. This variant has not been reported in individuals affected with cardiovascular disorders in the literature. This variant has been identified in 10/251060 chromosomes in the general population by the Genome Aggregation Database (gnomAD). The available evidence is insufficient to determine the role of this variant in disease conclusively. Therefore, this variant is classified as a Variant of Uncertain Significance.

This study involves interpretation of variants in research participants for the purpose of population health screening. Participant phenotype was not available at the time of variant classification. Additional details can be found in publication PMID: 35346344, PMCID: PMC8962531

Literature cited by the submitters: PubMed 31983221 (cited by Color Diagnostics, LLC DBA Color Health).

NM_001005242.3(PKP2):c.406G>T (p.Val136Leu)

Gene: PKP2 (plakophilin 2; minus strand). Cytogenetic location: 12p11.21.
Variant type: single nucleotide variant.
Coding change: c.406G>T on transcript NM_001005242.3 (MANE Select); coding-DNA position 406, G replaced by T.
Protein change: p.Val136Leu; replaces valine 136 with leucine.
Molecular consequence: missense variant.
Genome position (GRCh38, 1-based): chr12:32,878,474, C>A on the plus strand (G>T on the coding strand, the complement: PKP2 is on the minus strand). VCF-style: chr12-32878474-C-A. GRCh37 (hg19) VCF-style: chr12-33031408-C-A.
Other names: c.406G>T, p.Val136Leu (NM_004572.4); short protein forms V136L.
Identifiers: ClinVar variation 641668 (VCV000641668.15), dbSNP rs567795321, ClinGen allele CA037277.
Genomic context (GRCh38, chr12:32,878,474, plus strand): 5'-GGCTGCTGTCAGGAGAAATCTCCAGTCTCCTCAGAGGATGCCTCAAGGACCTTTCTTCCA[C>A]GGACTTCTGGGAGCTGTACTGTGCTGTTCCTCTTCCCCAGCGACCTTCATAAGTGGCAGT-3'
Protein context (NP_001005242.2, residues 126-146): GTAQYSSQKS[Val136Leu]EERSLRHPLR